The following is an entry in ClinVar:

ClinVar aggregate classification (germline): Uncertain significance (1 of 4 stars; one submission).

gnomAD v4.1: 9 of 1,612,934 alleles (0.00056%); highest among the groups gnomAD compares: East Asian, 0.0045%; no homozygotes.

Submission:

GeneDx
Classification: Uncertain significance. Last evaluated: 2025-05-14. Review status: criteria provided, single submitter. Criteria: GeneDx Variant Classification Process June 2021. Collection method: clinical testing. Allele origin: germline. Affected: yes.
Comment: Not observed at significant frequency in large population cohorts (gnomAD); Missense variant in a gene in which most reported pathogenic variants are truncating/loss of function; Has not been previously published as pathogenic or benign to our knowledge

NM_001267550.2(TTN):c.50650A>G (p.Ile16884Val)

Genes: TTN (titin; minus strand), TTN-AS1 (TTN antisense RNA 1; plus strand). Cytogenetic location: 2q31.2.
Variant type: single nucleotide variant.
Coding change: c.50650A>G on transcript NM_001267550.2 (MANE Select); coding-DNA position 50650, A replaced by G.
Protein change: p.Ile16884Val; replaces isoleucine 16884 with valine.
Molecular consequence: missense variant.
Genome position (GRCh38, 1-based): chr2:178,611,579, T>C on the plus strand (A>G on the coding strand, the complement: TTN is on the minus strand). VCF-style: chr2-178611579-T-C. GRCh37 (hg19) VCF-style: chr2-179476306-T-C.
Other names: c.45727A>G, p.Ile15243Val (NM_001256850.1); c.23455A>G, p.Ile7819Val (NM_003319.4); c.42946A>G, p.Ile14316Val (NM_133378.4); c.23830A>G, p.Ile7944Val (NM_133432.3); c.24031A>G, p.Ile8011Val (NM_133437.4); short protein forms I14316V, I15243V, I16884V, I7819V, I7944V, I8011V.
Identifiers: ClinVar variation 4529831 (VCV004529831.1).